The following is an entry in ClinVar:

ClinVar aggregate classification (germline): Benign/Likely benign. Review status: criteria provided, multiple submitters, no conflicts (2 of 4 stars). 5 submissions from 5 submitters: Benign (3); Likely benign (1). 1 of the submissions does not count toward it. Last evaluated 2024-11-27.

Conditions:
GAS2L2-related disorder. Also called: GAS2L2-related condition.

Allele frequency attached by ClinVar (database versions not stated): gnomAD exomes 0.04123 and 0.07096; ESP Exome Variant Server 0.06597; ExAC 0.07020; gnomAD 0.07564 and 0.07671; TOPMed 0.08609; 1000 Genomes Project 30x 0.12477; 1000 Genomes Project 0.12720.
gnomAD v4.1: 72,821 of 1,613,522 alleles (4.5%); highest among the groups gnomAD compares: East Asian, 19%; 3,119 homozygotes.

Submissions (5):

Blueprint Genetics
Classification: Likely benign. Last evaluated: 2024-11-27. Review status: criteria provided, single submitter. Criteria: ACMG Guidelines, 2015. Collection method: clinical testing. Allele origin: germline.

Mendelics
Classification: Benign. Last evaluated: 2022-05-04. Review status: criteria provided, single submitter. Criteria: Mendelics Assertion Criteria 2019. Collection method: clinical testing. Allele origin: germline.

GeneDx
Classification: Benign. Last evaluated: 2021-05-04. Review status: criteria provided, single submitter. Criteria: GeneDx Variant Classification Process June 2021. Collection method: clinical testing. Allele origin: germline. Affected: yes.

Breakthrough Genomics
Classification: Benign. Review status: criteria provided, single submitter. Criteria: ACMG Guidelines, 2015. Collection method: not provided. Allele origin: germline. Inheritance: Autosomal recessive inheritance. Affected: yes.

PreventionGenetics, part of Exact Sciences
Classification: Benign for GAS2L2-related condition. Last evaluated: 2019-11-06. Review status: no assertion criteria provided. Collection method: clinical testing. Allele origin: germline. Not counted in ClinVar's aggregate classification.
Comment: This variant is classified as benign based on ACMG/AMP sequence variant interpretation guidelines (Richards et al. 2015 PMID: 25741868, with internal and published modifications).

NM_139285.4(GAS2L2):c.1618G>A (p.Ala540Thr)

Gene: GAS2L2 (growth arrest specific 2 like 2; minus strand). Cytogenetic location: 17q12.
Variant type: single nucleotide variant.
Coding change: c.1618G>A on transcript NM_139285.4 (MANE Select); coding-DNA position 1618, G replaced by A.
Protein change: p.Ala540Thr; replaces alanine 540 with threonine.
Molecular consequence: missense variant.
Genome position (GRCh38, 1-based): chr17:35,745,879, C>T on the plus strand (G>A on the coding strand, the complement: GAS2L2 is on the minus strand). VCF-style: chr17-35745879-C-T. GRCh37 (hg19) VCF-style: chr17-34072898-C-T.
Other names: short protein forms A540T.
Identifiers: ClinVar variation 1273837 (VCV001273837.6), dbSNP rs12602590, ClinGen allele CA8506022.